The following is an entry in ClinVar:

NM_000179.3(MSH6):c.2935C>A (p.Leu979Met)

Gene: MSH6 (mutS homolog 6; plus strand). Cytogenetic location: 2p16.3.
Variant type: single nucleotide variant.
Coding change: c.2935C>A on transcript NM_000179.3 (MANE Select); coding-DNA position 2935, C replaced by A.
Protein change: p.Leu979Met; replaces leucine 979 with methionine.
Molecular consequence: missense variant. On other transcripts: non-coding transcript variant (5), intron variant (2).
Genome position (GRCh38, 1-based): chr2:47,800,918, C>A. VCF-style: chr2-47800918-C-A. GRCh37 (hg19) VCF-style: chr2-48028057-C-A.
Other names: c.2545C>A, p.Leu849Met (NM_001281492.2); c.2029C>A, p.Leu677Met (NM_001281493.2, NM_001281494.2, NM_001406811.1 and 6 more transcripts); c.3031C>A, p.Leu1011Met (NM_001406795.1, NM_001406802.1); c.2935C>A, p.Leu979Met (NM_001406796.1, NM_001406798.1, NM_001406800.1 and 2 more transcripts); c.2638C>A, p.Leu880Met (NM_001406797.1, NM_001406801.1, NM_001406805.1 and 10 more transcripts); c.2410C>A, p.Leu804Met (NM_001406799.1, NM_001406806.1, NM_001406807.1); c.2857C>A, p.Leu953Met (NM_001406804.1); c.2941C>A, p.Leu981Met (NM_001406813.1); and 4 more; short protein forms L294M, L981M, L1011M, L677M, L880M, L953M, L804M, L849M.
Identifiers: ClinVar variation 3875097 (VCV003875097.1).

ClinVar aggregate classification (germline): Uncertain significance (1 of 4 stars; one submission).

Conditions:
Hereditary cancer-predisposing syndrome. Also called: Tumor predisposition; Neoplastic Syndromes, Hereditary; Hereditary Cancer Syndrome; Hereditary neoplastic syndrome. Identifiers: Orphanet 140162, MedGen C0027672, MeSH D009386, MONDO:0015356.

Submission:

Ambry Genetics
Classification: Uncertain significance for Hereditary cancer-predisposing syndrome. Last evaluated: 2025-02-24. Review status: criteria provided, single submitter. Criteria: Ambry Variant Classification Scheme 2023. Collection method: clinical testing. Allele origin: germline.
Comment: The p.L979M variant (also known as c.2935C>A), located in coding exon 4 of the MSH6 gene, results from a C to A substitution at nucleotide position 2935. The leucine at codon 979 is replaced by methionine, an amino acid with highly similar properties. This amino acid position is conserved. In addition, this alteration is predicted to be tolerated by in silico analysis. Based on the available evidence, the clinical significance of this variant remains unclear.